The following is an entry in ClinVar:

NM_181426.2(CCDC39):c.1971G>T (p.Glu657Asp)

Gene: CCDC39 (coiled-coil domain 39 molecular ruler complex subunit; minus strand). Cytogenetic location: 3q26.33.
Variant type: single nucleotide variant.
Coding change: c.1971G>T on transcript NM_181426.2 (MANE Select); coding-DNA position 1971, G replaced by T.
Protein change: p.Glu657Asp; replaces glutamic acid 657 with aspartic acid.
Molecular consequence: missense variant.
Genome position (GRCh38, 1-based): chr3:180,631,496, C>A on the plus strand (G>T on the coding strand, the complement: CCDC39 is on the minus strand). VCF-style: chr3-180631496-C-A. GRCh37 (hg19) VCF-style: chr3-180349284-C-A.
Other names: short protein forms E657D.
Identifiers: ClinVar variation 969025 (VCV000969025.6), dbSNP rs111451119, ClinGen allele CA2715815.

ClinVar aggregate classification (germline): Conflicting classifications of pathogenicity. Review status: criteria provided, conflicting classifications (1 of 4 stars). 3 submissions from 3 submitters: Uncertain significance (1); Likely benign (2). Last evaluated 2025-03-15.

Conditions:
CCDC39-related disorder. Also called: CCDC39-related condition.
Primary ciliary dyskinesia. Also called: Ciliary dyskinesia. Identifiers: Orphanet 244, MedGen C0008780, MONDO:0016575, HP:0012265.

Allele frequency attached by ClinVar (database versions not stated): ExAC 0.00011; 1000 Genomes Project 30x 0.00016; 1000 Genomes Project 0.00020; ESP Exome Variant Server 0.00034; TOPMed 0.00039; gnomAD 0.00043; gnomAD exomes 0.00003 and 0.00009.
gnomAD v4.1: 137 of 1,606,806 alleles (0.0085%); highest among the groups gnomAD compares: African/African-American, 0.14%; 3 homozygotes.

Submissions (3):

PreventionGenetics, part of Exact Sciences
Classification: Likely benign for CCDC39-related condition. Last evaluated: 2025-03-15. Review status: criteria provided, single submitter. Criteria: ACMG Guidelines, 2015. Collection method: clinical testing. Allele origin: germline.
Comment: This variant is classified as likely benign based on ACMG/AMP sequence variant interpretation guidelines (Richards et al. 2015 PMID: 25741868, with internal and published modifications).

Labcorp Genetics (formerly Invitae), Labcorp
Classification: Uncertain significance for Primary ciliary dyskinesia. Last evaluated: 2022-11-01. Review status: criteria provided, single submitter. Criteria: Invitae Variant Classification Sherloc (09022015). Collection method: clinical testing. Allele origin: germline.
Comment: This sequence change replaces glutamic acid, which is acidic and polar, with aspartic acid, which is acidic and polar, at codon 657 of the CCDC39 protein (p.Glu657Asp). This variant is present in population databases (rs111451119, gnomAD 0.2%). This variant has not been reported in the literature in individuals affected with CCDC39-related conditions. ClinVar contains an entry for this variant (Variation ID: 969025). Algorithms developed to predict the effect of missense changes on protein structure and function (SIFT, PolyPhen-2, Align-GVGD) all suggest that this variant is likely to be tolerated. In summary, the available evidence is currently insufficient to determine the role of this variant in disease. Therefore, it has been classified as a Variant of Uncertain Significance.

Ambry Genetics
Classification: Likely benign for Primary ciliary dyskinesia. Last evaluated: 2021-08-09. Review status: criteria provided, single submitter. Criteria: Ambry Variant Classification Scheme 2023. Collection method: clinical testing. Allele origin: germline.